The following is an entry in ClinVar:

NM_001013838.3(CARMIL2):c.1063G>A (p.Asp355Asn)

Gene: CARMIL2 (capping protein regulator and myosin 1 linker 2; plus strand). Cytogenetic location: 16q22.1.
Variant type: single nucleotide variant.
Coding change: c.1063G>A on transcript NM_001013838.3 (MANE Select); coding-DNA position 1063, G replaced by A.
Protein change: p.Asp355Asn; replaces aspartic acid 355 with asparagine.
Molecular consequence: missense variant.
Genome position (GRCh38, 1-based): chr16:67,647,950, G>A. VCF-style: chr16-67647950-G-A. GRCh37 (hg19) VCF-style: chr16-67681853-G-A.
Other names: c.1063G>A, p.Asp355Asn (NM_001317026.3); short protein forms D355N.
Identifiers: ClinVar variation 1425827 (VCV001425827.7), dbSNP rs773599682, ClinGen allele CA8113325.

ClinVar aggregate classification (germline): Uncertain significance. Review status: criteria provided, multiple submitters, no conflicts (2 of 4 stars). 2 submissions from 2 submitters: Uncertain significance (2). Last evaluated 2024-06-19.

Allele frequency attached by ClinVar (database versions not stated): TOPMed 0.00004; gnomAD exomes 0.00005 and 0.00010; ExAC 0.00007; gnomAD 0.00008 and 0.00009.
gnomAD v4.1: 85 of 1,608,038 alleles (0.0053%); highest among the groups gnomAD compares: Non-Finnish European, 0.0025%; no homozygotes.

Submissions (2):

Blueprint Genetics
Classification: Uncertain significance. Last evaluated: 2024-06-19. Review status: criteria provided, single submitter. Criteria: ACMG Guidelines, 2015. Collection method: clinical testing. Allele origin: germline.

Labcorp Genetics (formerly Invitae), Labcorp
Classification: Uncertain significance. Last evaluated: 2022-06-10. Review status: criteria provided, single submitter. Criteria: Invitae Variant Classification Sherloc (09022015). Collection method: clinical testing. Allele origin: germline.
Comment: This sequence change replaces aspartic acid, which is acidic and polar, with asparagine, which is neutral and polar, at codon 355 of the CARMIL2 protein (p.Asp355Asn). This variant is present in population databases (rs773599682, gnomAD 0.09%). This variant has not been reported in the literature in individuals affected with CARMIL2-related conditions. Algorithms developed to predict the effect of missense changes on protein structure and function are either unavailable or do not agree on the potential impact of this missense change (SIFT: "Deleterious"; PolyPhen-2: "Probably Damaging"; Align-GVGD: "Class C0"). In summary, the available evidence is currently insufficient to determine the role of this variant in disease. Therefore, it has been classified as a Variant of Uncertain Significance.